The following is an entry in ClinVar:

ClinVar aggregate classification (germline): Likely pathogenic (1 of 4 stars; one submission).

Conditions:
Atrophia bulborum hereditaria (ND). Also called: EPISKOPI BLINDNESS; Norrie Disease (Classic Norrie Disease Ocular Phenotype with or without Extraocular Findings; Pseudoglioma; Norrie syndrome; Norrie-Warburg syndrome; Anderson-Warburg syndrome. Identifiers: Orphanet 649, MedGen C0266526, MONDO:0010691, OMIM 310600, HP:6000262.

Submission:

Victorian Clinical Genetics Services, Murdoch Childrens Research Institute
Classification: Likely pathogenic for Atrophia bulborum hereditaria. Last evaluated: 2022-03-31. Review status: criteria provided, single submitter. Criteria: ACMG Guidelines, 2015. Collection method: clinical testing. Allele origin: germline. Inheritance: X-linked recessive inheritance.
Comment: Based on the classification scheme VCGS_Germline_v1.3.4, this variant is classified as Likely pathogenic. Following criteria are met: 0102 - Loss of function is a known mechanism of disease in this gene and is associated with Norrie disease (MIM#310600). (I) 0109 - This gene is associated with X-linked recessive disease. Males with pathogenic variants consistently present with disease, whereas carrier females are usually unaffected. Isolated female cases have been reported with milder symptoms, which may be due to skewed X-inactivation (PMID: 11748312). (I) 0115 - Variants in this gene are known to have variable expressivity (OMIM). (I) 0200 - Variant is predicted to result in a missense amino acid change from leucine to valine. (I) 0253 - This variant is hemizygous. (I) 0301 - Variant is absent from gnomAD (both v2 and v3). (SP) 0502 - Missense variant with conflicting in silico predictions and uninformative conservation. (I) 0600 - Variant is located in the annotated Cystine-knot domain (DECIPHER). (I) 0704 - Another missense variant comparable to the one identified in this case has limited previous evidence for pathogenicity. A different variant in the same codon resulting in a change to glutamine has been reported in an individual with familial exudative vitreoretinopathy (FEVR; PMID: 30452590). (SP) 0803 - This variant has limited previous evidence of pathogenicity. This variant has been previously reported in an individual with FEVR (PMID: 16970763). (P) 0902 - This variant has moderate evidence for segregation with disease. (I) Legend: (SP) - Supporting pathogenic, (I) - Information, (SB) - Supporting benign

Literature cited by the submitters: PubMed 11748312; PubMed 16970763; PubMed 30452590.

NM_000266.4(NDP):c.307C>G (p.Leu103Val)

Genes: NDP (norrin cystine knot growth factor NDP; minus strand), NDP-AS1 (NDP antisense RNA 1; plus strand). Cytogenetic location: Xp11.3.
Variant type: single nucleotide variant.
Coding change: c.307C>G on transcript NM_000266.4 (MANE Select); coding-DNA position 307, C replaced by G.
Protein change: p.Leu103Val; replaces leucine 103 with valine.
Molecular consequence: missense variant. On other transcripts: non-coding transcript variant (1).
Genome position (GRCh38, 1-based): chrX:43,949,894, G>C on the plus strand (C>G on the coding strand, the complement: NDP is on the minus strand). VCF-style: chrX-43949894-G-C. GRCh37 (hg19) VCF-style: chrX-43809140-G-C.
Other names: short protein forms L103V.
Identifiers: ClinVar variation 1805158 (VCV001805158.1), dbSNP rs1235711153, ClinGen allele CA413007463.